The following is an entry in ClinVar:

NM_001035.3(RYR2):c.8060G>T (p.Ser2687Ile)

Gene: RYR2 (ryanodine receptor 2; plus strand). Cytogenetic location: 1q43.
Variant type: single nucleotide variant.
Coding change: c.8060G>T on transcript NM_001035.3 (MANE Select); coding-DNA position 8060, G replaced by T.
Protein change: p.Ser2687Ile; replaces serine 2687 with isoleucine.
Molecular consequence: missense variant.
Genome position (GRCh38, 1-based): chr1:237,655,915, G>T. VCF-style: chr1-237655915-G-T. GRCh37 (hg19) VCF-style: chr1-237819215-G-T.
Other names: short protein forms S2687I.
Identifiers: ClinVar variation 2800611 (VCV002800611.4), dbSNP rs202020477, ClinGen allele CA345400931.

ClinVar aggregate classification (germline): Uncertain significance. Review status: criteria provided, multiple submitters, no conflicts (2 of 4 stars). 2 submissions from 2 submitters: Uncertain significance (2). Last evaluated 2024-05-17.

Conditions:
Catecholaminergic polymorphic ventricular tachycardia 1. Also called: VENTRICULAR TACHYCARDIA, STRESS-INDUCED POLYMORPHIC 1; VENTRICULAR TACHYCARDIA, CATECHOLAMINERGIC POLYMORPHIC, 1, WITH OR WITHOUT ATRIAL DYSFUNCTION AND/OR DILATED CARDIOMYOPATHY; RYR2-Related Catecholaminergic Polymorphic Ventricular Tachycardia. Identifiers: Orphanet 3286, MedGen C1631597, MONDO:0011484, OMIM 604772.
Catecholaminergic polymorphic ventricular tachycardia (CVPT). Also called: Catecholamine-induced polymorphic ventricular tachycardia. Identifiers: Orphanet 3286, MedGen C5574922, MONDO:0017990.

gnomAD v4.1: 1 of 1,612,942 alleles (0.000062%); highest among the groups gnomAD compares: Non-Finnish European, 0.000085%; no homozygotes.

Submissions (2):

All of Us Research Program, National Institutes of Health
Classification: Uncertain significance for Catecholaminergic polymorphic ventricular tachycardia. Last evaluated: 2024-05-17. Review status: criteria provided, single submitter. Criteria: ACMG Guidelines, 2015. Collection method: clinical testing. Allele origin: germline. Inheritance: Autosomal dominant inheritance. Observed: 1 variant allele, 1 heterozygote.
Comment: This study involves interpretation of variants in research participants for the purpose of population health screening. Participant phenotype was not available at the time of variant classification. Additional details can be found in publication PMID: 35346344, PMCID: PMC8962531

Labcorp Genetics (formerly Invitae), Labcorp
Classification: Uncertain significance for Catecholaminergic polymorphic ventricular tachycardia 1. Last evaluated: 2023-10-11. Review status: criteria provided, single submitter. Criteria: Invitae Variant Classification Sherloc (09022015). Collection method: clinical testing. Allele origin: germline.
Comment: This sequence change replaces serine, which is neutral and polar, with isoleucine, which is neutral and non-polar, at codon 2687 of the RYR2 protein (p.Ser2687Ile). This variant is not present in population databases (gnomAD no frequency). This variant has not been reported in the literature in individuals affected with RYR2-related conditions. Advanced modeling of protein sequence and biophysical properties (such as structural, functional, and spatial information, amino acid conservation, physicochemical variation, residue mobility, and thermodynamic stability) performed at Invitae indicates that this missense variant is not expected to disrupt RYR2 protein function. In summary, the available evidence is currently insufficient to determine the role of this variant in disease. Therefore, it has been classified as a Variant of Uncertain Significance.